The following is an entry in ClinVar:

NM_001024845.3(SLC6A9):c.664G>A (p.Gly222Ser)

Gene: SLC6A9 (solute carrier family 6 member 9; minus strand). Cytogenetic location: 1p34.1.
Variant type: single nucleotide variant.
Coding change: c.664G>A on transcript NM_001024845.3 (MANE Select); coding-DNA position 664, G replaced by A.
Protein change: p.Gly222Ser; replaces glycine 222 with serine.
Molecular consequence: missense variant. On other transcripts: non-coding transcript variant (1).
Genome position (GRCh38, 1-based): chr1:44,002,912, C>T on the plus strand (G>A on the coding strand, the complement: SLC6A9 is on the minus strand). VCF-style: chr1-44002912-C-T. GRCh37 (hg19) VCF-style: chr1-44468584-C-T.
Other names: c.676G>A, p.Gly226Ser (NM_001261380.2); c.331G>A, p.Gly111Ser (NM_001328626.2, NM_001328630.2); c.601G>A, p.Gly201Ser (NM_001328627.1); c.469G>A, p.Gly157Ser (NM_001328628.1); c.664G>A, p.Gly222Ser (NM_001328629.1); c.721G>A, p.Gly241Ser (NM_006934.4); c.883G>A, p.Gly295Ser (NM_201649.4); short protein forms G222S, G157S, G201S, G226S, G241S, G111S, G295S.
Identifiers: ClinVar variation 651556 (VCV000651556.5), dbSNP rs143087050, ClinGen allele CA817737.

ClinVar aggregate classification (germline): Uncertain significance (1 of 4 stars; one submission).

Conditions:
Atypical glycine encephalopathy. Also called: Glycine encephalopathy with normal serum glycine. Identifiers: Orphanet 289863, MedGen C4310943, MONDO:0015010, OMIM 617301.

Allele frequency attached by ClinVar (database versions not stated): gnomAD 0.00001 and 0.00002; TOPMed 0.00002; ExAC 0.00003; gnomAD exomes 0.00004 and 0.00006; ESP Exome Variant Server 0.00008.

Submission:

Labcorp Genetics (formerly Invitae), Labcorp
Classification: Uncertain significance for Atypical glycine encephalopathy. Last evaluated: 2022-06-27. Review status: criteria provided, single submitter. Criteria: Invitae Variant Classification Sherloc (09022015). Collection method: clinical testing. Allele origin: germline.
Comment: This sequence change replaces glycine, which is neutral and non-polar, with serine, which is neutral and polar, at codon 295 of the SLC6A9 protein (p.Gly295Ser). In summary, the available evidence is currently insufficient to determine the role of this variant in disease. Therefore, it has been classified as a Variant of Uncertain Significance. Algorithms developed to predict the effect of sequence changes on RNA splicing suggest that this variant may create or strengthen a splice site. Algorithms developed to predict the effect of missense changes on protein structure and function are either unavailable or do not agree on the potential impact of this missense change (SIFT: "Tolerated"; PolyPhen-2: "Possibly Damaging"; Align-GVGD: "Class C0"). ClinVar contains an entry for this variant (Variation ID: 651556). This variant has not been reported in the literature in individuals affected with SLC6A9-related conditions. This variant is present in population databases (rs143087050, gnomAD 0.01%).